The following is an entry in ClinVar:

NM_000574.5(CD55):c.1118C>T (p.Thr373Met)

Gene: CD55 (CD55 molecule (Cromer blood group); plus strand). Cytogenetic location: 1q32.2.
Variant type: single nucleotide variant.
Coding change: c.1118C>T on transcript NM_000574.5 (MANE Select); coding-DNA position 1118, C replaced by T.
Protein change: p.Thr373Met; replaces threonine 373 with methionine.
Molecular consequence: missense variant. On other transcripts: synonymous variant (2), 3 prime UTR variant (1), non-coding transcript variant (1).
Genome position (GRCh38, 1-based): chr1:207,359,582, C>T. VCF-style: chr1-207359582-C-T. GRCh37 (hg19) VCF-style: chr1-207532927-C-T.
Other names: c.1236C>T, p.Asp412= (NM_001114752.3); c.1233C>T, p.Asp411= (NM_001300903.2); c.*56C>T (NM_001300904.2); short protein forms T373M.
Identifiers: ClinVar variation 1932499 (VCV001932499.2), dbSNP rs753072611, ClinGen allele CA1368289.
Genomic context (GRCh38, chr1:207,359,582, plus strand): 5'-TTTTTTTTTTTTTTTAATTTTCAGGGCACACGTGTTTCACGTTGACAGGTTTGCTTGGGA[C>T]GCTAGTAACCATGGGCTTGCTGACTTAGCCAAAGAAGAGTTAAGAAGAAAATACACACAA-3'
Protein context (NP_000565.1, residues 363-381): TCFTLTGLLG[Thr373Met]LVTMGLLT

ClinVar aggregate classification (germline): Uncertain significance (1 of 4 stars; one submission).

Allele frequency attached by ClinVar (database versions not stated): gnomAD 0.00001; gnomAD exomes 0.00005; ExAC 0.00006.
gnomAD v4.1: 81 of 1,578,400 alleles (0.0051%); highest among the groups gnomAD compares: Admixed American, 0.011%; 1 homozygote.

Submission:

Labcorp Genetics (formerly Invitae), Labcorp
Classification: Uncertain significance. Last evaluated: 2022-06-09. Review status: criteria provided, single submitter. Criteria: Invitae Variant Classification Sherloc (09022015). Collection method: clinical testing. Allele origin: germline.
Comment: This sequence change replaces threonine, which is neutral and polar, with methionine, which is neutral and non-polar, at codon 373 of the CD55 protein (p.Thr373Met). This variant is present in population databases (rs753072611, gnomAD 0.007%). This variant has not been reported in the literature in individuals affected with CD55-related conditions. Algorithms developed to predict the effect of missense changes on protein structure and function are either unavailable or do not agree on the potential impact of this missense change (SIFT: "Tolerated"; PolyPhen-2: "Not Available"; Align-GVGD: "Class C0"). In summary, the available evidence is currently insufficient to determine the role of this variant in disease. Therefore, it has been classified as a Variant of Uncertain Significance.